The following is an entry in ClinVar:

NM_001353694.2(TIAM1):c.1539dup (p.Val514fs)

Gene: TIAM1 (TIAM Rac1 associated GEF 1; minus strand). Cytogenetic location: 21q22.11.
Variant type: Duplication.
Coding change: c.1539dup on transcript NM_001353694.2 (MANE Select); coding-DNA position 1539, one base duplicated (T; older notation c.1539dupT).
Protein change: p.Val514fs; shifts the reading frame from valine 514.
Molecular consequence: frameshift variant.
Genome position (GRCh38, 1-based): chr21:31,245,533, A duplicated on the plus strand (T on the coding strand, the reverse complement: TIAM1 is on the minus strand); the first of 3 consecutive A bases (chr21:31,245,533-31,245,535); duplicating any one gives the same sequence. VCF-style (leftmost placement, unchanged base first): chr21-31245532-C-CA. GRCh37 (hg19) VCF-style: chr21-32617848-C-CA.
Other names: c.1539dup, p.Val514fs (NM_001353686.2, NM_001353687.2, NM_001353688.1 and 6 more transcripts); short protein forms V514fs.
Identifiers: ClinVar variation 2633223 (VCV002633223.2), dbSNP rs2516979493, ClinGen allele CA2695201433.

ClinVar aggregate classification (germline): Uncertain significance (1 of 4 stars; one submission).

Conditions:
TIAM1-related disorder. Also called: TIAM1-related condition.

Submission:

PreventionGenetics, part of Exact Sciences
Classification: Uncertain significance for TIAM1-related condition. Last evaluated: 2025-07-11. Review status: criteria provided, single submitter. Criteria: ACMG Guidelines, 2015. Collection method: clinical testing. Allele origin: germline.
Comment: The TIAM1 c.1539dupT variant is predicted to result in a frameshift and premature protein termination (p.Val514Cysfs*10). To our knowledge, this variant has not been reported in the literature or in a large population database (gnomAD), indicating this variant is rare. At this time, the clinical significance of this variant is uncertain due to the absence of conclusive functional and genetic evidence.